The following is an entry in ClinVar:

ClinVar aggregate classification (germline): Uncertain significance (1 of 4 stars; one submission).

Submission:

GeneDx
Classification: Uncertain significance. Last evaluated: 2024-12-07. Review status: criteria provided, single submitter. Criteria: GeneDx Variant Classification Process June 2021. Collection method: clinical testing. Allele origin: germline. Affected: yes.
Comment: Not observed at significant frequency in large population cohorts (gnomAD); In silico analysis supports that this missense variant has a deleterious effect on protein structure/function; Has not been previously published as pathogenic or benign to our knowledge

NM_014225.6(PPP2R1A):c.122C>T (p.Ala41Val)

Gene: PPP2R1A (protein phosphatase 2 scaffold subunit Aalpha; plus strand). Cytogenetic location: 19q13.41.
Variant type: single nucleotide variant.
Coding change: c.122C>T on transcript NM_014225.6 (MANE Select); coding-DNA position 122, C replaced by T.
Protein change: p.Ala41Val; replaces alanine 41 with valine.
Molecular consequence: missense variant. On other transcripts: 5 prime UTR variant (1), non-coding transcript variant (1).
Genome position (GRCh38, 1-based): chr19:52,201,987, C>T. VCF-style: chr19-52201987-C-T. GRCh37 (hg19) VCF-style: chr19-52705240-C-T.
Other names: c.-416C>T (NM_001363656.2); short protein forms A41V.
Identifiers: ClinVar variation 3901427 (VCV003901427.1).